The following is an entry in ClinVar:

NM_013275.6(ANKRD11):c.3812C>G (p.Ser1271Trp)

Gene: ANKRD11 (ankyrin repeat domain 11; minus strand). Cytogenetic location: 16q24.3.
Variant type: single nucleotide variant.
Coding change: c.3812C>G on transcript NM_013275.6 (MANE Select); coding-DNA position 3812, C replaced by G.
Protein change: p.Ser1271Trp; replaces serine 1271 with tryptophan.
Molecular consequence: missense variant.
Genome position (GRCh38, 1-based): chr16:89,282,730, G>C on the plus strand (C>G on the coding strand, the complement: ANKRD11 is on the minus strand). VCF-style: chr16-89282730-G-C. GRCh37 (hg19) VCF-style: chr16-89349138-G-C.
Other names: c.3812C>G, p.Ser1271Trp (NM_001256182.2, NM_001256183.2); short protein forms S1271W.
Identifiers: ClinVar variation 1306561 (VCV001306561.4), dbSNP rs767520089, ClinGen allele CA397158940.
Genomic context (GRCh38, chr16:89,282,730, plus strand): 5'-TCATGGAGAGCCTCTTCTTCCAACTTTTCAAGCAGGCTTTTTTCCGCGTCGGCACTTCTC[G>C]AGGACTTCCTCTCCTTGGAATGTTCTTTGTCCGACTTCTCTTTGTGTTTGCTTTTAGCCT-3'
Protein context (NP_037407.4, residues 1261-1281): DKEHSKERKS[Ser1271Trp]RSADAEKSLL

ClinVar aggregate classification (germline): Uncertain significance. Review status: criteria provided, multiple submitters, no conflicts (2 of 4 stars). 2 submissions from 2 submitters: Uncertain significance (2). Last evaluated 2024-10-17.

Conditions:
KBG syndrome (KBGS). Also called: ANKRD11-Related KBG Syndrome. Identifiers: Orphanet 2332, MedGen C0220687, MONDO:0007846, OMIM 148050.

gnomAD v4.1: 1 of 1,613,540 alleles (0.000062%); highest among the groups gnomAD compares: Non-Finnish European, 0.000085%; no homozygotes.

Submissions (2):

Labcorp Genetics (formerly Invitae), Labcorp
Classification: Uncertain significance for KBG syndrome. Last evaluated: 2024-10-17. Review status: criteria provided, single submitter. Criteria: Invitae Variant Classification Sherloc (09022015). Collection method: clinical testing. Allele origin: germline.
Comment: This sequence change replaces serine, which is neutral and polar, with tryptophan, which is neutral and slightly polar, at codon 1271 of the ANKRD11 protein (p.Ser1271Trp). This variant is not present in population databases (gnomAD no frequency). This variant has not been reported in the literature in individuals affected with ANKRD11-related conditions. ClinVar contains an entry for this variant (Variation ID: 1306561). Invitae Evidence Modeling of protein sequence and biophysical properties (such as structural, functional, and spatial information, amino acid conservation, physicochemical variation, residue mobility, and thermodynamic stability) indicates that this missense variant is not expected to disrupt ANKRD11 protein function with a negative predictive value of 95%. In summary, the available evidence is currently insufficient to determine the role of this variant in disease. Therefore, it has been classified as a Variant of Uncertain Significance.

GeneDx
Classification: Uncertain significance. Last evaluated: 2019-06-20. Review status: criteria provided, single submitter. Criteria: GeneDx Variant Classification Process June 2021. Collection method: clinical testing. Allele origin: germline. Affected: yes.
Comment: Not observed in large population cohorts (Lek et al., 2016); In silico analysis, which includes protein predictors and evolutionary conservation, supports that this variant does not alter protein structure/function; Has not been previously published as pathogenic or benign to our knowledge